The following is an entry in ClinVar:

NM_012123.4(MTO1):c.530T>C (p.Val177Ala)

Gene: MTO1 (mitochondrial tRNA translation optimization 1; plus strand). Cytogenetic location: 6q13.
Variant type: single nucleotide variant.
Coding change: c.530T>C on transcript NM_012123.4 (MANE Select); coding-DNA position 530, T replaced by C.
Protein change: p.Val177Ala; replaces valine 177 with alanine.
Molecular consequence: missense variant.
Genome position (GRCh38, 1-based): chr6:73,466,601, T>C. VCF-style: chr6-73466601-T-C. GRCh37 (hg19) VCF-style: chr6-74176324-T-C.
Other names: c.530T>C, p.Val177Ala (NM_001123226.2, NM_133645.3); short protein forms V177A.
Identifiers: ClinVar variation 1522560 (VCV001522560.5), dbSNP rs1771005240, ClinGen allele CA364713141.

ClinVar aggregate classification (germline): Uncertain significance (1 of 4 stars; one submission).

Conditions:
Mitochondrial hypertrophic cardiomyopathy with lactic acidosis due to MTO1 deficiency. Also called: CARDIOMYOPATHY, INFANTILE HYPERTROPHIC MITOCHONDRIAL, AND LACTIC ACIDOSIS; Combined oxidative phosphorylation deficiency 10. Identifiers: Orphanet 314637, MedGen C4749921, MONDO:0013865, OMIM 614702.

Submission:

Labcorp Genetics (formerly Invitae), Labcorp
Classification: Uncertain significance for Mitochondrial hypertrophic cardiomyopathy with lactic acidosis due to MTO1 deficiency. Last evaluated: 2024-04-25. Review status: criteria provided, single submitter. Criteria: Invitae Variant Classification Sherloc (09022015). Collection method: clinical testing. Allele origin: germline.
Comment: This sequence change replaces valine, which is neutral and non-polar, with alanine, which is neutral and non-polar, at codon 177 of the MTO1 protein (p.Val177Ala). This variant is not present in population databases (gnomAD no frequency). This variant has not been reported in the literature in individuals affected with MTO1-related conditions. ClinVar contains an entry for this variant (Variation ID: 1522560). Advanced modeling of protein sequence and biophysical properties (such as structural, functional, and spatial information, amino acid conservation, physicochemical variation, residue mobility, and thermodynamic stability) performed at Invitae indicates that this missense variant is not expected to disrupt MTO1 protein function with a negative predictive value of 95%. In summary, the available evidence is currently insufficient to determine the role of this variant in disease. Therefore, it has been classified as a Variant of Uncertain Significance.